The following is an entry in ClinVar:

ClinVar aggregate classification (germline): Likely benign. Review status: criteria provided, single submitter (1 of 4 stars). 2 submissions from 2 submitters: Likely benign (1). 1 of the submissions does not count toward it. Last evaluated 2025-04-08.

Conditions:
GDF5-related disorder. Also called: GDF5-related condition; GDF5 (CDMP1)-related disorder. Identifiers: MedGen CN169990.

Allele frequency attached by ClinVar (database versions not stated): gnomAD 0.00001; TOPMed 0.00002; ExAC 0.00006.

Submissions (2):

Labcorp Genetics (formerly Invitae), Labcorp
Classification: Likely benign. Last evaluated: 2025-04-08. Review status: criteria provided, single submitter. Criteria: Invitae Variant Classification Sherloc (09022015). Collection method: clinical testing. Allele origin: germline.

PreventionGenetics, part of Exact Sciences
Classification: Likely benign for GDF5-related condition. Last evaluated: 2019-06-06. Review status: no assertion criteria provided. Collection method: clinical testing. Allele origin: germline. Not counted in ClinVar's aggregate classification.
Comment: This variant is classified as likely benign based on ACMG/AMP sequence variant interpretation guidelines (Richards et al. 2015 PMID: 25741868, with internal and published modifications).

NM_000557.5(GDF5):c.537G>A (p.Thr179=)

Gene: GDF5 (growth differentiation factor 5; minus strand). Cytogenetic location: 20q11.22.
Variant type: single nucleotide variant.
Coding change: c.537G>A on transcript NM_000557.5 (MANE Select); coding-DNA position 537, G replaced by A.
Protein change: p.Thr179=; no amino-acid change (threonine 179 retained).
Molecular consequence: synonymous variant.
Genome position (GRCh38, 1-based): chr20:35,437,392, C>T on the plus strand (G>A on the coding strand, the complement: GDF5 is on the minus strand). VCF-style: chr20-35437392-C-T. GRCh37 (hg19) VCF-style: chr20-34025172-C-T.
Other names: c.537G>A, p.Thr179= (NM_001319138.2).
Identifiers: ClinVar variation 699185 (VCV000699185.8), dbSNP rs755019707, ClinGen allele CA9832322.